The following is an entry in ClinVar:

NM_000268.4(NF2):c.1198del (p.Gln400fs)

Gene: NF2 (NF2, moesin-ezrin-radixin like (MERLIN) tumor suppressor; plus strand). Cytogenetic location: 22q12.2.
Variant type: Deletion.
Coding change: c.1198del on transcript NM_000268.4 (MANE Select); coding-DNA position 1198, one base deleted (C; older notation c.1198delC).
Protein change: p.Gln400fs; shifts the reading frame from glutamine 400.
Molecular consequence: frameshift variant. On other transcripts: intron variant (1).
Genome position (GRCh38, 1-based): chr22:29,673,344, C deleted; the last of 3 consecutive C bases (chr22:29,673,342-29,673,344); deleting any one gives the same sequence. VCF-style (leftmost placement, unchanged base first): chr22-29673341-GC-G. GRCh37 (hg19) VCF-style: chr22-30069330-GC-G.
Other names: c.1084del, p.Gln362fs (NM_001407053.1, NM_001407056.1); c.1075del, p.Gln359fs (NM_001407054.1, NM_001407058.1, NM_181829.3); c.1072del, p.Gln358fs (NM_001407055.1, NM_181828.3); c.1063del, p.Gln355fs (NM_001407057.1, NM_001407059.1); c.1198del, p.Gln400fs (NM_001407060.1, NM_001407066.1, NM_016418.5 and 2 more transcripts); c.940del, p.Gln314fs (NM_001407062.1); c.949del, p.Gln317fs (NM_001407063.1, NM_001407064.1, NM_181830.3 and 1 more transcripts); c.664del, p.Gln222fs (NM_001407065.1); and 2 more; short protein forms Q314fs, Q400fs, Q317fs, Q323fs, Q355fs, Q358fs, Q359fs, Q222fs.
Identifiers: ClinVar variation 2737030 (VCV002737030.3), dbSNP rs2518680037, ClinGen allele CA514186075.

ClinVar aggregate classification (germline): Pathogenic (1 of 4 stars; one submission).

Conditions:
Neurofibromatosis, type 2 (SWNV). Also called: SCHWANNOMATOSIS, VESTIBULAR; BILATERAL ACOUSTIC NEUROFIBROMATOSIS; NF2-Related Schwannomatosis. Identifiers: Orphanet 637, MedGen C0027832, MONDO:0007039, OMIM 101000. Disease mechanism: loss of function.

Submission:

Labcorp Genetics (formerly Invitae), Labcorp
Classification: Pathogenic for Neurofibromatosis, type 2. Last evaluated: 2023-01-19. Review status: criteria provided, single submitter. Criteria: Invitae Variant Classification Sherloc (09022015). Collection method: clinical testing. Allele origin: germline.
Comment: This sequence change creates a premature translational stop signal (p.Gln400Argfs*26) in the NF2 gene. It is expected to result in an absent or disrupted protein product. Loss-of-function variants in NF2 are known to be pathogenic (PMID: 9643284, 16983642). This variant is not present in population databases (gnomAD no frequency). This premature translational stop signal has been observed in individual(s) with neurofibromatosis, type 2 (PMID: 11129337). For these reasons, this variant has been classified as Pathogenic.

Literature cited by the submitters: PubMed 9643284; PubMed 16983642; PubMed 11129337.